The following is an entry in ClinVar:

ClinVar aggregate classification (germline): Uncertain significance (1 of 4 stars; one submission).

Submission:

Labcorp Genetics (formerly Invitae), Labcorp
Classification: Uncertain significance. Last evaluated: 2024-08-02. Review status: criteria provided, single submitter. Criteria: Invitae Variant Classification Sherloc (09022015). Collection method: clinical testing. Allele origin: germline.
Comment: This sequence change replaces alanine, which is neutral and non-polar, with serine, which is neutral and polar, at codon 81 of the ZSWIM6 protein (p.Ala81Ser). This variant is not present in population databases (gnomAD no frequency). This variant has not been reported in the literature in individuals affected with ZSWIM6-related conditions. Experimental studies and prediction algorithms are not available or were not evaluated, and the functional significance of this variant is currently unknown. In summary, the available evidence is currently insufficient to determine the role of this variant in disease. Therefore, it has been classified as a Variant of Uncertain Significance.

NM_020928.2(ZSWIM6):c.241G>T (p.Ala81Ser)

Gene: ZSWIM6 (zinc finger SWIM-type containing 6; plus strand). Cytogenetic location: 5q12.1.
Variant type: single nucleotide variant.
Coding change: c.241G>T on transcript NM_020928.2 (MANE Select); coding-DNA position 241, G replaced by T.
Protein change: p.Ala81Ser; replaces alanine 81 with serine.
Molecular consequence: missense variant.
Genome position (GRCh38, 1-based): chr5:61,332,513, G>T. VCF-style: chr5-61332513-G-T. GRCh37 (hg19) VCF-style: chr5-60628340-G-T.
Other names: short protein forms A81S.
Identifiers: ClinVar variation 3661272 (VCV003661272.2).